The following is an entry in ClinVar:

ClinVar aggregate classification (germline): Uncertain significance. Review status: criteria provided, multiple submitters, no conflicts (2 of 4 stars). 2 submissions from 2 submitters: Uncertain significance (2). Last evaluated 2026-08-19.

Conditions:
IFIH1-related disorder. Also called: IFIH1-related condition.
Aicardi-Goutieres syndrome 7 (AGS7). Identifiers: Orphanet 51, MedGen C3888244, MONDO:0014367, OMIM 615846.
Singleton-Merten syndrome 1 (SGMRT1). Also called: Widened medullary cavities of bone, aortic calcification, abnormal dentition, and muscular weakness; Syndrome of widened medullary cavities of the metacarpals and phalanges, aortic calcification and abnormal dentition. Identifiers: Orphanet 85191, MedGen C4225427, MONDO:0024535, OMIM 182250.

Allele frequency attached by ClinVar (database versions not stated): TOPMed 0.00001; gnomAD exomes 0.00003; ExAC 0.00005.
gnomAD v4.1: 8 of 1,612,582 alleles (0.0005%); highest among the groups gnomAD compares: Non-Finnish European, 0.00068%; no homozygotes.

Submissions (2):

PreventionGenetics, part of Exact Sciences
Classification: Uncertain significance for IFIH1-related condition. Last evaluated: 2026-08-19. Review status: criteria provided, single submitter. Criteria: ACMG Guidelines, 2015. Collection method: clinical testing. Allele origin: germline.
Comment: The IFIH1 c.1486G>A variant is predicted to result in the amino acid substitution p.Ala496Thr. To our knowledge, this variant has not been reported in the literature. This variant is reported in 0.0070% of alleles in individuals of European (non-Finnish) descent in gnomAD. At this time, the clinical significance of this variant is uncertain due to the absence of conclusive functional and genetic evidence.

Labcorp Genetics (formerly Invitae), Labcorp
Classification: Uncertain significance for Aicardi-Goutieres syndrome 7; Singleton-Merten syndrome 1. Last evaluated: 2026-01-26. Review status: criteria provided, single submitter. Criteria: Invitae Variant Classification Sherloc (09022015). Collection method: clinical testing. Allele origin: germline.
Comment: This sequence change replaces alanine, which is neutral and non-polar, with threonine, which is neutral and polar, at codon 496 of the IFIH1 protein (p.Ala496Thr). This variant is present in population databases (rs763096939, gnomAD 0.007%). This variant has not been reported in the literature in individuals affected with IFIH1-related conditions. ClinVar contains an entry for this variant (Variation ID: 834571). Invitae Evidence Modeling of protein sequence and biophysical properties (such as structural, functional, and spatial information, amino acid conservation, physicochemical variation, residue mobility, and thermodynamic stability) has been performed for this missense variant. However, the output from this modeling did not meet the statistical confidence thresholds required to predict the impact of this variant on IFIH1 protein function. In summary, the available evidence is currently insufficient to determine the role of this variant in disease. Therefore, it has been classified as a Variant of Uncertain Significance.

NM_022168.4(IFIH1):c.1486G>A (p.Ala496Thr)

Gene: IFIH1 (interferon induced with helicase C domain 1; minus strand). Cytogenetic location: 2q24.2.
Variant type: single nucleotide variant.
Coding change: c.1486G>A on transcript NM_022168.4 (MANE Select); coding-DNA position 1486, G replaced by A.
Protein change: p.Ala496Thr; replaces alanine 496 with threonine.
Molecular consequence: missense variant.
Genome position (GRCh38, 1-based): chr2:162,281,366, C>T on the plus strand (G>A on the coding strand, the complement: IFIH1 is on the minus strand). VCF-style: chr2-162281366-C-T. GRCh37 (hg19) VCF-style: chr2-163137876-C-T.
Other names: short protein forms A496T.
Identifiers: ClinVar variation 834571 (VCV000834571.5), dbSNP rs763096939, ClinGen allele CA1934520.